The following is an entry in ClinVar:

ClinVar aggregate classification (germline): Uncertain significance (1 of 4 stars; one submission).

Conditions:
Inborn genetic diseases. Identifiers: MedGen C0950123, MeSH D030342.

Submission:

Ambry Genetics
Classification: Uncertain significance for Inborn genetic diseases. Last evaluated: 2025-09-18. Review status: criteria provided, single submitter. Criteria: Ambry Variant Classification Scheme 2023. Collection method: clinical testing. Allele origin: germline.
Comment: The p.V1246F variant (also known as c.3736G>T), located in coding exon 13 of the ASXL1 gene, results from a G to T substitution at nucleotide position 3736. The valine at codon 1246 is replaced by phenylalanine, an amino acid with highly similar properties. This amino acid position is conserved. In addition, this alteration is predicted to be tolerated by in silico analysis. Based on the available evidence, the clinical significance of this variant remains unclear.

NM_015338.6(ASXL1):c.3736G>T (p.Val1246Phe)

Gene: ASXL1 (ASXL transcriptional regulator 1; plus strand). Cytogenetic location: 20q11.21.
Variant type: single nucleotide variant.
Coding change: c.3736G>T on transcript NM_015338.6 (MANE Select); coding-DNA position 3736, G replaced by T.
Protein change: p.Val1246Phe; replaces valine 1246 with phenylalanine.
Molecular consequence: missense variant.
Genome position (GRCh38, 1-based): chr20:32,436,448, G>T. VCF-style: chr20-32436448-G-T. GRCh37 (hg19) VCF-style: chr20-31024251-G-T.
Other names: c.3553G>T, p.Val1185Phe (NM_001363734.1); short protein forms V1185F, V1246F.
Identifiers: ClinVar variation 4587163 (VCV004587163.1).